The following is an entry in ClinVar:

NM_052989.3(IFT122):c.1574C>T (p.Ser525Phe)

Gene: IFT122 (intraflagellar transport 122; plus strand). Cytogenetic location: 3q21.3.
Variant type: single nucleotide variant.
Coding change: c.1574C>T on transcript NM_052989.3 (MANE Select); coding-DNA position 1574, C replaced by T.
Protein change: p.Ser525Phe; replaces serine 525 with phenylalanine.
Molecular consequence: missense variant.
Genome position (GRCh38, 1-based): chr3:129,481,615, C>T. VCF-style: chr3-129481615-C-T. GRCh37 (hg19) VCF-style: chr3-129200458-C-T.
Other names: c.1550C>T, p.Ser517Phe (NM_001280541.2); c.1124C>T, p.Ser375Phe (NM_001280545.2); c.947C>T, p.Ser316Phe (NM_001280546.2); c.1574C>T, p.Ser525Phe (NM_001410808.1, NM_001410809.1); c.1397C>T, p.Ser466Phe (NM_001410810.1, NM_001410811.1, NM_001410813.1 and 1 more transcripts); c.1241C>T, p.Ser414Phe (NM_001410815.1, NM_001410817.1, NM_052990.3); c.1727C>T, p.Ser576Phe (NM_052985.4); short protein forms S316F, S375F, S414F, S466F, S517F, S525F, S576F.
Identifiers: ClinVar variation 3361402 (VCV003361402.1).

ClinVar aggregate classification (germline): Uncertain significance (1 of 4 stars; one submission).

gnomAD v4.1: 37 of 1,602,388 alleles (0.0023%); highest among the groups gnomAD compares: Non-Finnish European, 0.003%; no homozygotes.

Submission:

GeneDx
Classification: Uncertain significance. Last evaluated: 2023-07-25. Review status: criteria provided, single submitter. Criteria: GeneDx Variant Classification Process June 2021. Collection method: clinical testing. Allele origin: germline. Affected: yes.
Comment: Not observed at significant frequency in large population cohorts (gnomAD); In silico analysis supports that this missense variant has a deleterious effect on protein structure/function; Has not been previously published as pathogenic or benign to our knowledge